The following is an entry in ClinVar:

ClinVar aggregate classification (germline): Conflicting classifications of pathogenicity. Review status: criteria provided, conflicting classifications (1 of 4 stars). 2 submissions from 2 submitters: Uncertain significance (1); Likely benign (1). Last evaluated 2025-10-21.

Conditions:
Neutropenia, severe congenital, 1, autosomal dominant. Identifiers: MedGen C1859966, MONDO:0042490, OMIM 202700.
Cyclical neutropenia. Also called: Cyclic Neutropenia; Cyclic hematopoiesis. Identifiers: Orphanet 2686, MedGen C0221023, MONDO:0008090, OMIM 162800, HP:0040289. Disease mechanism: loss of function.

Allele frequency attached by ClinVar (database versions not stated): gnomAD 0.00005; gnomAD exomes 0.00005 and 0.00004; TOPMed 0.00005; ExAC 0.00003.
gnomAD v4.1: 81 of 1,613,368 alleles (0.005%); highest among the groups gnomAD compares: Admixed American, 0.0083%; no homozygotes.

Submissions (2):

Labcorp Genetics (formerly Invitae), Labcorp
Classification: Uncertain significance for Neutropenia, severe congenital, 1, autosomal dominant; Cyclical neutropenia. Last evaluated: 2025-10-21. Review status: criteria provided, single submitter. Criteria: Invitae Variant Classification Sherloc (09022015). Collection method: clinical testing. Allele origin: germline.
Comment: This sequence change replaces histidine, which is basic and polar, with tyrosine, which is neutral and polar, at codon 213 of the ELANE protein (p.His213Tyr). This variant is present in population databases (rs201326533, gnomAD 0.01%). This variant has not been reported in the literature in individuals affected with ELANE-related conditions. ClinVar contains an entry for this variant (Variation ID: 580900). Invitae Evidence Modeling of protein sequence and biophysical properties (such as structural, functional, and spatial information, amino acid conservation, physicochemical variation, residue mobility, and thermodynamic stability) indicates that this missense variant is not expected to disrupt ELANE protein function with a negative predictive value of 95%. In summary, the available evidence is currently insufficient to determine the role of this variant in disease. Therefore, it has been classified as a Variant of Uncertain Significance.

Blueprint Genetics
Classification: Likely benign. Last evaluated: 2024-11-14. Review status: criteria provided, single submitter. Criteria: ACMG Guidelines, 2015. Collection method: clinical testing. Allele origin: germline.

NM_001972.4(ELANE):c.637C>T (p.His213Tyr)

Gene: ELANE (elastase, neutrophil expressed; plus strand). Cytogenetic location: 19p13.3.
Variant type: single nucleotide variant.
Coding change: c.637C>T on transcript NM_001972.4 (MANE Select); coding-DNA position 637, C replaced by T.
Protein change: p.His213Tyr; replaces histidine 213 with tyrosine.
Molecular consequence: missense variant.
Genome position (GRCh38, 1-based): chr19:855,997, C>T. VCF-style: chr19-855997-C-T. GRCh37 (hg19) VCF-style: chr19-855997-C-T.
Other names: c.637C>T (LRG_57t1); short protein forms H213Y.
Identifiers: ClinVar variation 580900 (VCV000580900.13), dbSNP rs201326533, ClinGen allele CA9026124.